The following is an entry in ClinVar:

ClinVar aggregate classification (germline): Uncertain significance (1 of 4 stars; one submission).

Conditions:
Tuberous sclerosis 2 (TSC2). Identifiers: Orphanet 805, MedGen C1860707, MONDO:0013199, OMIM 613254.

Submission:

Labcorp Genetics (formerly Invitae), Labcorp
Classification: Uncertain significance for Tuberous sclerosis 2. Last evaluated: 2023-01-17. Review status: criteria provided, single submitter. Criteria: Invitae Variant Classification Sherloc (09022015). Collection method: clinical testing. Allele origin: germline.
Comment: In summary, the available evidence is currently insufficient to determine the role of this variant in disease. Therefore, it has been classified as a Variant of Uncertain Significance. Advanced modeling of protein sequence and biophysical properties (such as structural, functional, and spatial information, amino acid conservation, physicochemical variation, residue mobility, and thermodynamic stability) performed at Invitae indicates that this missense variant is not expected to disrupt TSC2 protein function. ClinVar contains an entry for this variant (Variation ID: 1357642). This variant has not been reported in the literature in individuals affected with TSC2-related conditions. This variant is not present in population databases (gnomAD no frequency). This sequence change replaces lysine, which is basic and polar, with glutamic acid, which is acidic and polar, at codon 657 of the TSC2 protein (p.Lys657Glu).

NM_000548.5(TSC2):c.1969A>G (p.Lys657Glu)

Gene: TSC2 (TSC complex subunit 2; plus strand). Cytogenetic location: 16p13.3.
Variant type: single nucleotide variant.
Coding change: c.1969A>G on transcript NM_000548.5 (MANE Select); coding-DNA position 1969, A replaced by G.
Protein change: p.Lys657Glu; replaces lysine 657 with glutamic acid.
Molecular consequence: missense variant.
Genome position (GRCh38, 1-based): chr16:2,071,806, A>G. VCF-style: chr16-2071806-A-G. GRCh37 (hg19) VCF-style: chr16-2121807-A-G.
Other names: c.1969A>G, p.Lys657Glu (NM_001077183.3, NM_001114382.3, NM_001363528.2 and 3 more transcripts); c.1858A>G, p.Lys620Glu (NM_001318827.2); c.1822A>G, p.Lys608Glu (NM_001318829.2); c.1369A>G, p.Lys457Glu (NM_001318831.2); c.2002A>G, p.Lys668Glu (NM_001318832.2); short protein forms K620E, K657E, K668E, K457E, K608E.
Identifiers: ClinVar variation 1357642 (VCV001357642.6), dbSNP rs45488199, ClinGen allele CA394274328.